The following is an entry in ClinVar:

ClinVar aggregate classification (germline): Likely benign. Review status: criteria provided, multiple submitters, no conflicts (2 of 4 stars). 2 submissions from 2 submitters: Likely benign (2). Last evaluated 2023-08-01.

Allele frequency attached by ClinVar (database versions not stated): ExAC 0.00003; gnomAD 0.00003; TOPMed 0.00003.
gnomAD v4.1: 20 of 1,613,760 alleles (0.0012%); highest among the groups gnomAD compares: African/African-American, 0.0067%; no homozygotes.

Submissions (2):

CeGaT Center for Human Genetics Tuebingen
Classification: Likely benign. Last evaluated: 2023-08-01. Review status: criteria provided, single submitter. Criteria: CeGaT Center For Human Genetics Tuebingen Variant Classification Criteria Version 2. Collection method: clinical testing. Allele origin: germline. Affected: yes. Observed: 1 variant allele.
Comment: LAMA1: BP4, BP7

Blueprint Genetics
Classification: Likely benign. Last evaluated: 2021-09-14. Review status: criteria provided, single submitter. Criteria: ACMG Guidelines, 2015. Collection method: clinical testing. Allele origin: germline.

NM_005559.4(LAMA1):c.960C>T (p.Ser320=)

Gene: LAMA1 (laminin subunit alpha 1; minus strand). Cytogenetic location: 18p11.31.
Variant type: single nucleotide variant.
Coding change: c.960C>T on transcript NM_005559.4 (MANE Select); coding-DNA position 960, C replaced by T.
Protein change: p.Ser320=; no amino-acid change (serine 320 retained).
Molecular consequence: synonymous variant.
Genome position (GRCh38, 1-based): chr18:7,044,738, G>A on the plus strand (C>T on the coding strand, the complement: LAMA1 is on the minus strand). VCF-style: chr18-7044738-G-A. GRCh37 (hg19) VCF-style: chr18-7044737-G-A.
Identifiers: ClinVar variation 2648552 (VCV002648552.25), dbSNP rs774118511, ClinGen allele CA8883135.